The following is an entry in ClinVar:

ClinVar aggregate classification (germline): Uncertain significance (1 of 4 stars; one submission).

Conditions:
Severe X-linked myotubular myopathy (CNMX). Also called: Myotubular myopathy, X-linked; MYOTUBULAR MYOPATHY 1; X-linked centronuclear myopathy. Identifiers: Orphanet 596, MedGen C0410203, MONDO:0010683, OMIM 310400.

Submission:

Labcorp Genetics (formerly Invitae), Labcorp
Classification: Uncertain significance for Severe X-linked myotubular myopathy. Last evaluated: 2024-07-31. Review status: criteria provided, single submitter. Criteria: Invitae Variant Classification Sherloc (09022015). Collection method: clinical testing. Allele origin: germline.
Comment: This sequence change replaces arginine, which is basic and polar, with glutamine, which is neutral and polar, at codon 222 of the MTM1 protein (p.Arg222Gln). This variant is not present in population databases (gnomAD no frequency). This variant has not been reported in the literature in individuals affected with MTM1-related conditions. Advanced modeling of protein sequence and biophysical properties (such as structural, functional, and spatial information, amino acid conservation, physicochemical variation, residue mobility, and thermodynamic stability) has been performed at Invitae for this missense variant, however the output from this modeling did not meet the statistical confidence thresholds required to predict the impact of this variant on MTM1 protein function. In summary, the available evidence is currently insufficient to determine the role of this variant in disease. Therefore, it has been classified as a Variant of Uncertain Significance.

NM_000252.3(MTM1):c.665G>A (p.Arg222Gln)

Gene: MTM1 (myotubularin 1; plus strand). Cytogenetic location: Xq28.
Variant type: single nucleotide variant.
Coding change: c.665G>A on transcript NM_000252.3 (MANE Select); coding-DNA position 665, G replaced by A.
Protein change: p.Arg222Gln; replaces arginine 222 with glutamine.
Molecular consequence: missense variant.
Genome position (GRCh38, 1-based): chrX:150,641,405, G>A. VCF-style: chrX-150641405-G-A. GRCh37 (hg19) VCF-style: chrX-149809878-G-A.
Other names: c.665G>A, p.Arg222Gln (NM_001376906.1, NM_001376908.1); c.554G>A, p.Arg185Gln (NM_001376907.1); short protein forms R185Q, R222Q.
Identifiers: ClinVar variation 3678349 (VCV003678349.2).